The following is an entry in ClinVar:

ClinVar aggregate classification (germline): Pathogenic. Review status: criteria provided, single submitter (1 of 4 stars). 2 submissions from 2 submitters: Pathogenic (1). 1 of the submissions does not count toward it. Last evaluated 2018-11-21.

Conditions:
Intellectual developmental disorder with or without epilepsy or cerebellar ataxia. Identifiers: MedGen C4748041, MONDO:0060745, OMIM 618060.

Submissions (2):

GeneDx
Classification: Pathogenic. Last evaluated: 2018-11-21. Review status: criteria provided, single submitter. Criteria: GeneDx Variant Classification (06012015). Collection method: clinical testing. Allele origin: germline. Affected: yes.
Comment: The c.903_904delGT variant in the RORA gene identified in this individual has now been published as a pathogenic variant associated with a RORA-related disorder (Guissart et al., 2018). The c.903_904delGT variant causes a frameshift starting with codon Serine 302, changes this amino acid to a Histidine residue, and creates a premature Stop codon at position 13 of the new reading frame, denoted p.Ser302HisfsX13. This variant is predicted to cause loss of normal protein function either through protein truncation or nonsense-mediated mRNA decay. The c.903_904delGT variant is not observed in large population cohorts (Lek et al., 2016). We interpret c.903_904delGT as a pathogenic variant.

OMIM
Classification: Pathogenic for INTELLECTUAL DEVELOPMENTAL DISORDER WITH EPILEPSY AND CEREBELLAR ATAXIA. Last evaluated: 2018-07-27. Review status: no assertion criteria provided. Collection method: literature only. Allele origin: germline. Not counted in ClinVar's aggregate classification.

Literature cited by the submitters: PubMed 29656859 (cited by OMIM).

NM_134261.3(RORA):c.804_805del (p.Ser269fs)

Genes: RORA (RAR related orphan receptor A; minus strand), RORA-AS1 (RORA antisense RNA 1; plus strand). Cytogenetic location: 15q22.2.
Variant type: Microsatellite.
Coding change: c.804_805del on transcript NM_134261.3 (MANE Select); coding-DNA positions 804 to 805, 2 bases deleted (GT; older notation c.804_805delGT).
Protein change: p.Ser269fs; shifts the reading frame from serine 269.
Molecular consequence: frameshift variant.
Genome position (GRCh38, 1-based): chr15:60,511,241-60,511,242, AC deleted on the plus strand (GT on the coding strand, the reverse complement: RORA is on the minus strand); deleting any 2 consecutive bases within chr15:60,511,241-60,511,245 gives the same sequence; the c. name uses the placement nearest the transcript's 3' end. VCF-style (leftmost placement, unchanged base first): chr15-60511240-GAC-G. GRCh37 (hg19) VCF-style: chr15-60803439-GAC-G.
Other names: c.879_880del, p.Ser294fs (NM_002943.4); c.903_904del, p.Ser302fs (NM_134260.3); c.639_640del, p.Ser214fs (NM_134262.3); short protein forms S269fs, S294fs, S214fs, S302fs.
Identifiers: ClinVar variation 549841 (VCV000549841.4), dbSNP rs1555423812, ClinGen allele CA658824956.
Genomic context (GRCh38, chr15:60,511,240, plus strand): 5'-AAAGGGCATGAATAGAGCATCCCAGGAGAAGCATGCATGCCATTACCTAATTCTGCCATG[GAC>G]ACAGTTGGGGAAGTCTCGCCGTTGGTGAACGAACAGTAGGGAAAGAAGCCTGATGCTGGT-3'